The following is an entry in ClinVar:

ClinVar aggregate classification (germline): Benign/Likely benign. Review status: criteria provided, multiple submitters, no conflicts (2 of 4 stars). 4 submissions from 4 submitters: Benign (1); Likely benign (3). Last evaluated 2025-08-03.

Conditions:
Hereditary cancer-predisposing syndrome. Also called: Tumor predisposition; Hereditary Cancer Syndrome; Hereditary neoplastic syndrome; Neoplastic Syndromes, Hereditary. Identifiers: Orphanet 140162, MedGen C0027672, MeSH D009386, MONDO:0015356.
Familial cancer of breast. Also called: BREAST CANCER, FAMILIAL; hereditary breast carcinoma; Hereditary breast cancer. Identifiers: Orphanet 227535, MedGen C0346153, MONDO:0016419, OMIM 114480. Disease mechanism: loss of function.
Fanconi anemia complementation group J. Also called: BRIP1-Related Fanconi Anemia. Identifiers: Orphanet 84, MedGen C1836860, MONDO:0012187, OMIM 609054.

Submissions (4):

Labcorp Genetics (formerly Invitae), Labcorp
Classification: Likely benign for Familial cancer of breast; Fanconi anemia complementation group J. Last evaluated: 2025-08-03. Review status: criteria provided, single submitter. Criteria: Invitae Variant Classification Sherloc (09022015). Collection method: clinical testing. Allele origin: germline.

Myriad Genetics, Inc.
Classification: Benign for Familial cancer of breast. Last evaluated: 2024-09-06. Review status: criteria provided, single submitter. Criteria: Myriad Autosomal Dominant, Autosomal Recessive and X-Linked Classification Criteria (2023). Collection method: clinical testing. Allele origin: unknown.
Comment: This variant is considered benign. This variant is a silent/synonymous amino acid change and it is not expected to impact splicing.

Color Diagnostics, LLC DBA Color Health
Classification: Likely benign for Hereditary cancer-predisposing syndrome. Last evaluated: 2021-11-12. Review status: criteria provided, single submitter. Criteria: ACMG Guidelines, 2015. Collection method: clinical testing. Allele origin: germline.

Ambry Genetics
Classification: Likely benign for Hereditary cancer-predisposing syndrome. Last evaluated: 2018-10-08. Review status: criteria provided, single submitter. Criteria: Ambry Variant Classification Scheme 2023. Collection method: clinical testing. Allele origin: germline.

NM_032043.3(BRIP1):c.2829C>T (p.Val943=)

Gene: BRIP1 (BRCA1 interacting DNA helicase 1; minus strand). Cytogenetic location: 17q23.2.
Variant type: single nucleotide variant.
Coding change: c.2829C>T on transcript NM_032043.3 (MANE Select); coding-DNA position 2829, C replaced by T.
Protein change: p.Val943=; no amino-acid change (valine 943 retained).
Molecular consequence: synonymous variant.
Genome position (GRCh38, 1-based): chr17:61,685,912, G>A on the plus strand (C>T on the coding strand, the complement: BRIP1 is on the minus strand). VCF-style: chr17-61685912-G-A. GRCh37 (hg19) VCF-style: chr17-59763273-G-A.
Identifiers: ClinVar variation 183933 (VCV000183933.20), dbSNP rs767164240, ClinGen allele CA187030.
Genomic context (GRCh38, chr17:61,685,912, plus strand): 5'-GATAATGCTACTTGGTAGAGGTGAATTTTTGGTAATAATTTTAGGACACTGTAGTTCCTG[G>A]ACACATATCTTTGCTTCATCTTCCACAAAATTTTCTGGTGATAGATGACTTGCTGCTTCC-3'
Protein context (NP_114432.2, residues 933-953): NFVEDEAKIC[Val943=]QELQCPKIIT